The following is an entry in ClinVar:

ClinVar aggregate classification (germline): Pathogenic. Review status: no assertion criteria provided (0 of 4 stars). 3 submissions from 2 submitters: Pathogenic (3). Last evaluated 2012-10-18.

Conditions:
Charcot-Marie-Tooth disease, type IA (CMT1A). Also called: Charcot-Marie-Tooth disease type 1A; CMT 1A; Hereditary motor and sensory neuropathy 1A; HMSN 1A; HEREDITARY MOTOR AND SENSORY NEUROPATHY IA; CHARCOT-MARIE-TOOTH DISEASE, DEMYELINATING, TYPE 1A. Identifiers: Orphanet 101081, MedGen C0270911, MONDO:0007309, OMIM 118220.
Roussy-Lévy syndrome. Also called: Roussy Levy hereditary areflexic dystasia; Roussy-Levy disease; Hereditary areflexic dystasia; Roussy-Levy Syndrome. Identifiers: Orphanet 3115, MedGen C0205713, MONDO:0008392, OMIM 180800.

Submissions (3):

GeneReviews
Classification: Pathogenic for Charcot-Marie-Tooth Neuropathy Type 1. Last evaluated: 2012-10-18. Review status: no assertion criteria provided. Collection method: curation. Allele origin: unknown.
ClinVar note: Converted during submission from pathologic to Pathogenic.

OMIM
Classification: Pathogenic for CHARCOT-MARIE-TOOTH DISEASE, TYPE 1A. Last evaluated: 2009-09-01. Review status: no assertion criteria provided. Collection method: literature only. Allele origin: germline.

OMIM
Classification: Pathogenic for ROUSSY-LEVY SYNDROME. Last evaluated: 2009-09-01. Review status: no assertion criteria provided. Collection method: literature only. Allele origin: germline.

Literature cited by the submitters: PubMed 1677316 (cited by OMIM); PubMed 475348 (cited by OMIM); PubMed 17796454 (cited by OMIM); Lupski, J. R., Garcia, C. A., Parry, G. J., Patel, P. I. Charcot-Marie-Tooth polyneuropathy syndrome: clinical, electrophysiological, and genetic aspects. In: Appel, S. Current Neurology. Chicago: Mosby-Yearbook (pub.) 1-25, 1991. (cited by OMIM); PubMed 1822787 (cited by OMIM); PubMed 1721895 (cited by OMIM); PubMed 1552545 (cited by OMIM); Valentijn, L. J., Bolhuis, P. A., Zorn, I., Hoogendijk, J. E., van den Bosch, N., Hensels, G. W., Stanton, V. P., Jr., Housman, D. E., Fischbeck, K. H., Ross, D. A., Nicholson, G. A., Meershoek, E. J., Dauwerse, H. G., van Ommen, G.-J. B., Baas, F. The peripheral myelin gene PMP-22/GAS-3 is duplicated in Charcot-Marie-Tooth disease type 1A. Nature Genet. 1: 166-170, 1992. (cited by OMIM); PubMed 1349106 (cited by OMIM); PubMed 1552536 (cited by OMIM); PubMed 1301995 (cited by OMIM); PubMed 8500795 (cited by OMIM); PubMed 8105684 (cited by OMIM); PubMed 15786462 (cited by OMIM); PubMed 9543325 (cited by OMIM); PubMed 19259128 (cited by OMIM).

NC_000017.11:g.(?_14440201)_(15475424_?)dup

Gene: PMP22 (peripheral myelin protein 22; minus strand). Cytogenetic location: 17p11.2.
Variant type: Duplication.
Other names: 1.4-MB DUP; 1.5-Mb duplication at 17p11.2.
Identifiers: ClinVar variation 8427 (VCV000008427.3).